The following is an entry in ClinVar:

ClinVar aggregate classification (germline): Uncertain significance (1 of 4 stars; one submission).

Submission:

GeneDx
Classification: Uncertain significance. Last evaluated: 2025-03-04. Review status: criteria provided, single submitter. Criteria: GeneDx Variant Classification Process June 2021. Collection method: clinical testing. Allele origin: germline. Affected: yes.
Comment: Not observed at significant frequency in large population cohorts (gnomAD); In silico analysis supports that this missense variant has a deleterious effect on protein structure/function; Has not been previously published as pathogenic or benign to our knowledge; This variant is associated with the following publications: (PMID: 18409179)

NM_000489.6(ATRX):c.795C>G (p.Cys265Trp)

Gene: ATRX (ATRX chromatin remodeler; minus strand). Cytogenetic location: Xq21.1.
Variant type: single nucleotide variant.
Coding change: c.795C>G on transcript NM_000489.6 (MANE Select); coding-DNA position 795, C replaced by G.
Protein change: p.Cys265Trp; replaces cysteine 265 with tryptophan.
Molecular consequence: missense variant.
Genome position (GRCh38, 1-based): chrX:77,684,461, G>C on the plus strand (C>G on the coding strand, the complement: ATRX is on the minus strand). VCF-style: chrX-77684461-G-C. GRCh37 (hg19) VCF-style: chrX-76939953-G-C.
Other names: c.681C>G, p.Cys227Trp (NM_138270.5); short protein forms C227W, C265W.
Identifiers: ClinVar variation 4082701 (VCV004082701.1).
Genomic context (GRCh38, chrX:77,684,461, plus strand): 5'-CTCAAATACGCTGTTACATGCAGTGACCAAGTCCAACAAAGGCTCTGGGTGACAAATGTA[G>C]CAATACCATTGGTTGTTTTCATCCATTATTGTGGACAACTCCTTTCGACCAAGGTTGCGT-3'
Protein context (NP_000480.3, residues 255-275): TIMDENNQWY[Cys265Trp]YICHPEPLLD